The following is an entry in ClinVar:

ClinVar aggregate classification (germline): Uncertain significance (1 of 4 stars; one submission).

Conditions:
Nuclear pulverulent cataract (CTRCT2). Identifiers: MedGen C1852438, HP:0010698.

Submission:

Labcorp Genetics (formerly Invitae), Labcorp
Classification: Uncertain significance for Nuclear pulverulent cataract. Last evaluated: 2023-06-30. Review status: criteria provided, single submitter. Criteria: Invitae Variant Classification Sherloc (09022015). Collection method: clinical testing. Allele origin: germline.
Comment: This variant, c.61_63del, results in the deletion of 1 amino acid(s) of the CRYGC protein (p.Thr21del), but otherwise preserves the integrity of the reading frame. This variant is not present in population databases (gnomAD no frequency). This variant has been observed in individuals with congenital cataract (PMID: 27628848; Invitae). In summary, the available evidence is currently insufficient to determine the role of this variant in disease. Therefore, it has been classified as a Variant of Uncertain Significance.

Literature cited by the submitters: PubMed 27628848.

NM_020989.4(CRYGC):c.61_63del (p.Thr21del)

Genes: CRYGC (crystallin gamma C; minus strand), LOC100507443 (uncharacterized LOC100507443; plus strand). Cytogenetic location: 2q33.3.
Variant type: Deletion.
Coding change: c.61_63del on transcript NM_020989.4 (MANE Select); coding-DNA positions 61 to 63, 3 bases deleted (ACT; older notation c.61_63delACT).
Protein change: p.Thr21del; deletes threonine 21.
Molecular consequence: inframe deletion.
Genome position (GRCh38, 1-based): chr2:208,129,630-208,129,632, AGT deleted on the plus strand (ACT on the coding strand, the reverse complement: CRYGC is on the minus strand). VCF-style (leftmost placement, unchanged base first): chr2-208129629-CAGT-C. GRCh37 (hg19) VCF-style: chr2-208994353-CAGT-C.
Other names: short protein forms T21del.
Identifiers: ClinVar variation 2734362 (VCV002734362.3), dbSNP rs2468839572, ClinGen allele CA2586971175.
Genomic context (GRCh38, chr2:208,129,629, plus strand): 5'-AGCCGCTCTCCACCCGGATGGAGTTGCAGCGGCTGAAATACGGCTGCAGGTTGGGGCAGT[CAGT>C]GGTGGTTTCGTAGCTGCGGCCCTGGAAGGCCCTGTCCTCATAGAAGGTGATCTGCAAAGG-3'